The following is an entry in ClinVar:

NM_001384140.1(PCDH15):c.1263T>C (p.Thr421=)

Gene: PCDH15 (protocadherin related 15; minus strand). Cytogenetic location: 10q21.1.
Variant type: single nucleotide variant.
Coding change: c.1263T>C on transcript NM_001384140.1 (MANE Select); coding-DNA position 1263, T replaced by C.
Protein change: p.Thr421=; no amino-acid change (threonine 421 retained).
Molecular consequence: synonymous variant.
Genome position (GRCh38, 1-based): chr10:54,195,725, A>G on the plus strand (T>C on the coding strand, the complement: PCDH15 is on the minus strand). VCF-style: chr10-54195725-A-G. GRCh37 (hg19) VCF-style: chr10-55955485-A-G.
Other names: p.Thr421=; c.1278T>C, p.Thr426= (NM_001142763.2, NM_001142769.4, NM_001142771.2); c.1263T>C, p.Thr421= (NM_001142764.2, NM_001142765.2, NM_001142766.2 and 7 more transcripts); c.1152T>C, p.Thr384= (NM_001142767.2); c.1197T>C, p.Thr399= (NM_001142768.2, NM_001142773.2, NM_001354404.2).
Identifiers: ClinVar variation 46439 (VCV000046439.26), dbSNP rs7921598, ClinGen allele CA138367.

ClinVar aggregate classification (germline): Benign. Review status: criteria provided, multiple submitters, no conflicts (2 of 4 stars). 11 submissions from 11 submitters: Benign (9). 2 of the submissions do not count toward it. Last evaluated 2026-02-04.

Conditions:
Autosomal recessive nonsyndromic hearing loss 23. Identifiers: Orphanet 90636, MedGen C1836027, MONDO:0012293, OMIM 609533.
Usher syndrome type 1D (USH1D). Also called: USHER SYNDROME, TYPE ID. Identifiers: Orphanet 231169, Orphanet 886, MedGen C1832845, MONDO:0010984, OMIM 601067.
Usher syndrome type 1F (USH1F). Also called: USHER SYNDROME, TYPE IF. Identifiers: Orphanet 231169, Orphanet 886, MedGen C1865885, MONDO:0011186, OMIM 602083.
Usher syndrome type 1 (USH1). Also called: RETINITIS PIGMENTOSA AND CONGENITAL DEAFNESS. Identifiers: Orphanet 231169, Orphanet 886, MedGen C1568247, MONDO:0010168, OMIM 276900.

Allele frequency attached by ClinVar (database versions not stated): gnomAD exomes 0.13887 and 0.16525; ExAC 0.16886; gnomAD 0.23175 and 0.23801; ESP Exome Variant Server 0.24681; TOPMed 0.25285; 1000 Genomes Project 0.25599; 1000 Genomes Project 30x 0.26296.
gnomAD v4.1: 239,009 of 1,613,080 alleles (15%); highest among the groups gnomAD compares: African/African-American, 50%; 23,428 homozygotes.

Submissions (11):

Labcorp Genetics (formerly Invitae), Labcorp
Classification: Benign. Last evaluated: 2026-02-04. Review status: criteria provided, single submitter. Criteria: Invitae Variant Classification Sherloc (09022015). Collection method: clinical testing. Allele origin: germline.

Fulgent Genetics
Classification: Benign for Usher syndrome type 1D; Usher syndrome type 1F; Autosomal recessive nonsyndromic hearing loss 23. Last evaluated: 2022-05-11. Review status: criteria provided, single submitter. Criteria: ACMG Guidelines, 2015. Collection method: clinical testing. Allele origin: unknown.

Genome-Nilou Lab
Classification: Benign for Usher syndrome type 1F. Last evaluated: 2021-07-01. Review status: criteria provided, single submitter. Criteria: ACMG Guidelines, 2015. Collection method: clinical testing. Allele origin: germline. Affected: no.

Mayo Clinic Laboratories, Mayo Clinic
Classification: Benign. Last evaluated: 2020-10-02. Review status: criteria provided, single submitter. Criteria: ACMG Guidelines, 2015. Collection method: clinical testing. Allele origin: germline. Observed: 44 variant alleles.

Illumina Laboratory Services, Illumina
Classification: Benign for Usher syndrome type 1. Last evaluated: 2018-01-13. Review status: criteria provided, single submitter. Criteria: ICSL Variant Classification Criteria 13 December 2019. Collection method: clinical testing. Allele origin: germline.
Comment: This variant was observed in the ICSL laboratory as part of a predisposition screen in an ostensibly healthy population. It had not been previously curated by ICSL or reported in the Human Gene Mutation Database (HGMD: prior to June 1st, 2018), and was therefore a candidate for classification through an automated scoring system. Utilizing variant allele frequency, disease prevalence and penetrance estimates, and inheritance mode, an automated score was calculated to assess if this variant is too frequent to cause the disease. Based on the score and internal cut-off values, a variant classified as benign is not then subjected to further curation. The score for this variant resulted in a classification of benign for this disease.

GeneDx
Classification: Benign. Last evaluated: 2015-03-03. Review status: criteria provided, single submitter. Criteria: GeneDx Variant Classification Process June 2021. Collection method: clinical testing. Allele origin: germline. Affected: yes.

Laboratory for Molecular Medicine, Mass General Brigham Personalized Medicine
Classification: Benign. Last evaluated: 2009-06-23. Review status: criteria provided, single submitter. Criteria: LMM Criteria. Collection method: clinical testing. Allele origin: germline. Observed: 685 variant alleles.

Breakthrough Genomics
Classification: Benign. Review status: criteria provided, single submitter. Criteria: ACMG Guidelines, 2015. Collection method: not provided. Allele origin: germline. Inheritance: Autosomal recessive inheritance. Affected: yes.

PreventionGenetics, part of Exact Sciences
Classification: Benign. Review status: criteria provided, single submitter. Criteria: ACMG Guidelines, 2015. Collection method: clinical testing. Allele origin: germline.

Natera, Inc.
Classification: Benign for Usher syndrome type 1F. Last evaluated: 2020-09-16. Review status: no assertion criteria provided. Collection method: clinical testing. Allele origin: germline. Not counted in ClinVar's aggregate classification.

NEI Ophthalmic Genomics Laboratory, National Institutes of Health
No classification provided. Review status: no classification provided. Collection method: not provided. Allele origin: not provided. Not counted in ClinVar's aggregate classification.